The following is an entry in ClinVar:

NM_015272.5(RPGRIP1L):c.654A>G (p.Gln218=)

Gene: RPGRIP1L (RPGRIP1 like; minus strand). Cytogenetic location: 16q12.2.
Variant type: single nucleotide variant.
Coding change: c.654A>G on transcript NM_015272.5 (MANE Select); coding-DNA position 654, A replaced by G.
Protein change: p.Gln218=; no amino-acid change (glutamine 218 retained).
Molecular consequence: synonymous variant.
Genome position (GRCh38, 1-based): chr16:53,686,555, T>C on the plus strand (A>G on the coding strand, the complement: RPGRIP1L is on the minus strand). VCF-style: chr16-53686555-T-C. GRCh37 (hg19) VCF-style: chr16-53720467-T-C.
Other names: c.654A>G, p.Gln218= (NM_001127897.4, NM_001308334.3, NM_001330538.2); c.654A>G (NM_015272.4).
Identifiers: ClinVar variation 1138354 (VCV001138354.10), dbSNP rs1404574894, ClinGen allele CA495539064.

ClinVar aggregate classification (germline): Likely benign. Review status: criteria provided, single submitter (1 of 4 stars). 2 submissions from 2 submitters: Likely benign (1). 1 of the submissions does not count toward it. Last evaluated 2025-03-07.

Conditions:
RPGRIP1L-related disorder. Also called: RPGRIP1L-related disorders; RPGRIP1L-related condition. Identifiers: MedGen CN239416.
Meckel-Gruber syndrome. Also called: Dysencephalia splachnocystica; DYSENCEPHALIA SPLANCHNOCYSTICA; GRUBER SYNDROME. Identifiers: Orphanet 564, MedGen C0265215, MONDO:0018921.
Joubert syndrome. Also called: JOUBERT-BOLTSHAUSER SYNDROME; Familial aplasia of the vermis. Identifiers: Orphanet 475, MedGen C5979921, MONDO:0018772.

Allele frequency attached by ClinVar (database versions not stated): gnomAD 0.00002; TOPMed 0.00002.
gnomAD v4.1: 3 of 1,613,560 alleles (0.00019%); highest among the groups gnomAD compares: African/African-American, 0.004%; no homozygotes.

Submissions (2):

Labcorp Genetics (formerly Invitae), Labcorp
Classification: Likely benign for Joubert syndrome; Meckel-Gruber syndrome. Last evaluated: 2025-03-07. Review status: criteria provided, single submitter. Criteria: Invitae Variant Classification Sherloc (09022015). Collection method: clinical testing. Allele origin: germline.

PreventionGenetics, part of Exact Sciences
Classification: Likely benign for RPGRIP1L-related condition. Last evaluated: 2024-01-03. Review status: no assertion criteria provided. Collection method: clinical testing. Allele origin: germline. Not counted in ClinVar's aggregate classification.
Comment: This variant is classified as likely benign based on ACMG/AMP sequence variant interpretation guidelines (Richards et al. 2015 PMID: 25741868, with internal and published modifications).